The following is an entry in ClinVar:

NM_001267550.2(TTN):c.1246-16G>A

Gene: TTN (titin; minus strand). Cytogenetic location: 2q31.2.
Variant type: single nucleotide variant.
Coding change: c.1246-16G>A on transcript NM_001267550.2 (MANE Select); 16 bases into the intron before coding-DNA position 1246, G replaced by A.
Molecular consequence: intron variant.
Genome position (GRCh38, 1-based): chr2:178,794,567, C>T on the plus strand (G>A on the coding strand, the complement: TTN is on the minus strand). VCF-style: chr2-178794567-C-T. GRCh37 (hg19) VCF-style: chr2-179659294-C-T.
Other names: c.1246-16G>A (NM_133378.4, NM_003319.4, NM_133437.4 and 3 more transcripts).
Identifiers: ClinVar variation 137783 (VCV000137783.22), dbSNP rs72647847, ClinGen allele CA291445.

ClinVar aggregate classification (germline): Benign/Likely benign. Review status: criteria provided, multiple submitters, no conflicts (2 of 4 stars). 14 submissions from 11 submitters: Benign (8); Likely benign (1). 5 of the submissions do not count toward it. Last evaluated 2026-02-03.

Conditions:
Autosomal recessive limb-girdle muscular dystrophy type 2J (LGMDR10). Also called: MUSCULAR DYSTROPHY, LIMB-GIRDLE, AUTOSOMAL RECESSIVE 10; Limb-girdle muscular dystrophy, type 2J. Identifiers: Orphanet 140922, MedGen C1837342, MONDO:0012127, OMIM 608807.
Dilated cardiomyopathy 1G (CMD1G). Identifiers: Orphanet 154, MedGen C1858763, MONDO:0011400, OMIM 604145.
Early-onset myopathy with fatal cardiomyopathy (CMYO5). Also called: CONGENITAL MYOPATHY 5 WITH CARDIOMYOPATHY; Salih Myopathy. Identifiers: Orphanet 289377, MedGen C2673677, MONDO:0012714, OMIM 611705. Disease mechanism: loss of function.
Myopathy, myofibrillar, 9, with early respiratory failure (MFM9). Also called: Hereditary myopathy with early respiratory failure; EDSTROM MYOPATHY; MYOPATHY, PROXIMAL, WITH EARLY RESPIRATORY MUSCLE INVOLVEMENT; Myopathy, distal, with early respiratory failure, autosomal dominant. Identifiers: Orphanet 178464, Orphanet 34521, MedGen C1863599, MONDO:0011362, OMIM 603689.
Tibial muscular dystrophy (TMD). Also called: UDD MYOPATHY; Udd Distal Myopathy – Tibial Muscular Dystrophy; Tibial muscular dystrophy, tardive. Identifiers: Orphanet 609, MedGen C1838244, MONDO:0010870, OMIM 600334.

Allele frequency attached by ClinVar (database versions not stated): gnomAD 0.00071 and 0.00093; TOPMed 0.00084; ESP Exome Variant Server 0.00092; 1000 Genomes Project 30x 0.00094; 1000 Genomes Project 0.00100; gnomAD exomes 0.00118 and 0.00180; ExAC 0.00187.
gnomAD v4.1: 1,907 of 1,614,060 alleles (0.12%); highest among the groups gnomAD compares: Middle Eastern, 1.3%; 19 homozygotes.

Submissions (14):

Labcorp Genetics (formerly Invitae), Labcorp
Classification: Benign for Dilated cardiomyopathy 1G; Autosomal recessive limb-girdle muscular dystrophy type 2J. Last evaluated: 2026-02-03. Review status: criteria provided, single submitter. Criteria: Invitae Variant Classification Sherloc (09022015). Collection method: clinical testing. Allele origin: germline.

Blueprint Genetics
Classification: Likely benign. Last evaluated: 2024-11-26. Review status: criteria provided, single submitter. Criteria: ACMG Guidelines, 2015. Collection method: clinical testing. Allele origin: germline.

ARUP Laboratories, Molecular Genetics and Genomics, ARUP Laboratories
Classification: Benign. Last evaluated: 2024-03-13. Review status: criteria provided, single submitter. Criteria: ARUP Molecular Germline Variant Investigation Process 2024. Collection method: clinical testing. Allele origin: germline.

Genome-Nilou Lab
Classification: Benign for Autosomal recessive limb-girdle muscular dystrophy type 2J. Last evaluated: 2021-09-10. Review status: criteria provided, single submitter. Criteria: ACMG Guidelines, 2015. Collection method: clinical testing. Allele origin: germline. Affected: no.

Genome-Nilou Lab
Classification: Benign for Myopathy, myofibrillar, 9, with early respiratory failure. Last evaluated: 2021-09-10. Review status: criteria provided, single submitter. Criteria: ACMG Guidelines, 2015. Collection method: clinical testing. Allele origin: germline. Affected: no.

Genome-Nilou Lab
Classification: Benign for Early-onset myopathy with fatal cardiomyopathy. Last evaluated: 2021-09-10. Review status: criteria provided, single submitter. Criteria: ACMG Guidelines, 2015. Collection method: clinical testing. Allele origin: germline. Affected: no.

Genome-Nilou Lab
Classification: Benign for Tibial muscular dystrophy. Last evaluated: 2021-09-10. Review status: criteria provided, single submitter. Criteria: ACMG Guidelines, 2015. Collection method: clinical testing. Allele origin: germline. Affected: no.

Women's Health and Genetics/Laboratory Corporation of America, LabCorp
Classification: Benign. Last evaluated: 2020-06-29. Review status: criteria provided, single submitter. Criteria: LabCorp Variant Classification Summary - May 2015. Collection method: clinical testing. Allele origin: germline.
Comment: Variant summary: TTN c.1246-16G>A alters a non-conserved nucleotide located close to a canonical splice site and therefore could affect mRNA splicing, leading to a significantly altered protein sequence. 4/4 computational tools predict no significant impact on normal splicing. However, these predictions have yet to be confirmed by functional studies. The variant allele was found at a frequency of 0.0018 in 250868 control chromosomes, predominantly at a frequency of 0.0078 within the South Asian subpopulation in the gnomAD database, including 5 homozygotes. The observed variant frequency within South Asian control individuals in the gnomAD database is approximately 12 fold of the estimated maximal expected allele frequency for a pathogenic variant in TTN causing Cardiomyopathy phenotype (0.00063), strongly suggesting that the variant is a benign polymorphism found primarily in populations of South Asian origin. To our knowledge, no occurrence of c.1246-16G>A in individuals affected with Cardiomyopathy and no experimental evidence demonstrating its impact on protein function have been reported. No clinical diagnostic laboratories have submitted clinical-significance assessments for this variant to ClinVar after 2014. Based on the evidence outlined above, the variant was classified as benign.

GeneDx
Classification: Benign. Last evaluated: 2014-05-19. Review status: criteria provided, single submitter. Criteria: GeneDx Variant Classification (06012015). Collection method: clinical testing. Allele origin: germline. Affected: yes.
Comment: This variant is considered likely benign or benign based on one or more of the following criteria: it is a conservative change, it occurs at a poorly conserved position in the protein, it is predicted to be benign by multiple in silico algorithms, and/or has population frequency not consistent with disease.

Clinical Genetics, Academic Medical Center
Classification: Benign. Review status: no assertion criteria provided. Collection method: clinical testing. Allele origin: germline. Affected: yes. Study: VKGL Data-share Consensus. Not counted in ClinVar's aggregate classification.

Diagnostic Laboratory, Department of Genetics, University Medical Center Groningen
Classification: Likely benign. Review status: no assertion criteria provided. Collection method: clinical testing. Allele origin: germline. Affected: yes. Study: VKGL Data-share Consensus. Not counted in ClinVar's aggregate classification.

Genome Diagnostics Laboratory, University Medical Center Utrecht
Classification: Likely benign. Review status: no assertion criteria provided. Collection method: clinical testing. Allele origin: germline. Affected: yes. Study: VKGL Data-share Consensus. Not counted in ClinVar's aggregate classification.

Joint Genome Diagnostic Labs from Nijmegen and Maastricht, Radboudumc and MUMC+
Classification: Benign. Review status: no assertion criteria provided. Collection method: clinical testing. Allele origin: germline. Affected: yes. Study: VKGL Data-share Consensus. Not counted in ClinVar's aggregate classification.

Laboratory of Diagnostic Genome Analysis, Leiden University Medical Center (LUMC)
Classification: Likely benign. Review status: no assertion criteria provided. Collection method: clinical testing. Allele origin: germline. Affected: yes. Study: VKGL Data-share Consensus. Not counted in ClinVar's aggregate classification.